The following is an entry in ClinVar:

NM_001256789.3(CACNA1F):c.6G>A (p.Ser2=)

Gene: CACNA1F (calcium voltage-gated channel subunit alpha1 F; minus strand). Cytogenetic location: Xp11.23.
Variant type: single nucleotide variant.
Coding change: c.6G>A on transcript NM_001256789.3 (MANE Select); coding-DNA position 6, G replaced by A.
Protein change: p.Ser2=; no amino-acid change (serine 2 retained).
Molecular consequence: synonymous variant.
Genome position (GRCh38, 1-based): chrX:49,233,304, C>T on the plus strand (G>A on the coding strand, the complement: CACNA1F is on the minus strand). VCF-style: chrX-49233304-C-T. GRCh37 (hg19) VCF-style: chrX-49089766-C-T.
Other names: c.6G>A (NM_005183.2, NM_005183.3); c.6G>A, p.Ser2= (NM_001256790.3, NM_005183.4).
Identifiers: ClinVar variation 1634065 (VCV001634065.11), dbSNP rs894244553, ClinGen allele CA329125829.

ClinVar aggregate classification (germline): Likely benign. Review status: criteria provided, multiple submitters, no conflicts (2 of 4 stars). 4 submissions from 4 submitters: Likely benign (4). Last evaluated 2025-09-10.

Conditions:
CACNA1F-related disorder. Also called: CACNA1F-related condition.
Inborn genetic diseases. Identifiers: MedGen C0950123, MeSH D030342.

Allele frequency attached by ClinVar (database versions not stated): gnomAD 0.00001; gnomAD exomes 0.00001; TOPMed 0.00002.

Submissions (4):

Ambry Genetics
Classification: Likely benign for Inborn genetic diseases. Last evaluated: 2025-09-10. Review status: criteria provided, single submitter. Criteria: Ambry Variant Classification Scheme 2023. Collection method: clinical testing. Allele origin: germline.

PreventionGenetics, part of Exact Sciences
Classification: Likely benign for CACNA1F-related condition. Last evaluated: 2025-03-17. Review status: criteria provided, single submitter. Criteria: ACMG Guidelines, 2015. Collection method: clinical testing. Allele origin: germline.
Comment: This variant is classified as likely benign based on ACMG/AMP sequence variant interpretation guidelines (Richards et al. 2015 PMID: 25741868, with internal and published modifications).

Labcorp Genetics (formerly Invitae), Labcorp
Classification: Likely benign. Last evaluated: 2023-10-05. Review status: criteria provided, single submitter. Criteria: Invitae Variant Classification Sherloc (09022015). Collection method: clinical testing. Allele origin: germline.

Blueprint Genetics
Classification: Likely benign. Last evaluated: 2022-03-16. Review status: criteria provided, single submitter. Criteria: ACMG Guidelines, 2015. Collection method: clinical testing. Allele origin: germline.